The following is an entry in ClinVar:

NM_000206.3(IL2RG):c.967C>G (p.Pro323Ala)

Gene: IL2RG (interleukin 2 receptor subunit gamma; minus strand). Cytogenetic location: Xq13.1.
Variant type: single nucleotide variant.
Coding change: c.967C>G on transcript NM_000206.3 (MANE Select); coding-DNA position 967, C replaced by G.
Protein change: p.Pro323Ala; replaces proline 323 with alanine.
Molecular consequence: missense variant.
Genome position (GRCh38, 1-based): chrX:71,107,879, G>C on the plus strand (C>G on the coding strand, the complement: IL2RG is on the minus strand). VCF-style: chrX-71107879-G-C. GRCh37 (hg19) VCF-style: chrX-70327729-G-C.
Other names: short protein forms P323A.
Identifiers: ClinVar variation 1043284 (VCV001043284.7), dbSNP rs974329997, ClinGen allele CA331121469.

ClinVar aggregate classification (germline): Uncertain significance (1 of 4 stars; one submission).

Conditions:
X-linked severe combined immunodeficiency (SCIDX1). Also called: X-Linked Combined Immunodeficiency Diseases; IMMUNODEFICIENCY 4; SCID, X-LINKED; SEVERE COMBINED IMMUNODEFICIENCY, X-LINKED, T CELL-NEGATIVE, B CELL-POSITIVE, NK CELL-NEGATIVE; T-B+ severe combined immunodeficiency due to gamma chain deficiency. Identifiers: Orphanet 276, MedGen C6022468, MONDO:0010315, OMIM 300400. Disease mechanism: loss of function.

Allele frequency attached by ClinVar (database versions not stated): gnomAD exomes below 0.00001 and 0.00001; TOPMed 0.00001; gnomAD 0.00002.

Submission:

Labcorp Genetics (formerly Invitae), Labcorp
Classification: Uncertain significance for X-linked severe combined immunodeficiency. Last evaluated: 2022-05-15. Review status: criteria provided, single submitter. Criteria: Invitae Variant Classification Sherloc (09022015). Collection method: clinical testing. Allele origin: germline.
Comment: This sequence change replaces proline, which is neutral and non-polar, with alanine, which is neutral and non-polar, at codon 323 of the IL2RG protein (p.Pro323Ala). This variant is present in population databases (no rsID available, gnomAD 0.008%). This variant has not been reported in the literature in individuals affected with IL2RG-related conditions. ClinVar contains an entry for this variant (Variation ID: 1043284). Advanced modeling of protein sequence and biophysical properties (such as structural, functional, and spatial information, amino acid conservation, physicochemical variation, residue mobility, and thermodynamic stability) performed at Invitae indicates that this missense variant is expected to disrupt IL2RG protein function. In summary, the available evidence is currently insufficient to determine the role of this variant in disease. Therefore, it has been classified as a Variant of Uncertain Significance.